The following is an entry in ClinVar:

NM_005140.3(CNGA2):c.748C>T (p.Leu250=)

Gene: CNGA2 (cyclic nucleotide gated channel subunit alpha 2; plus strand). Cytogenetic location: Xq28.
Variant type: single nucleotide variant.
Coding change: c.748C>T on transcript NM_005140.3 (MANE Select); coding-DNA position 748, C replaced by T.
Protein change: p.Leu250=; no amino-acid change (leucine 250 retained).
Molecular consequence: synonymous variant.
Genome position (GRCh38, 1-based): chrX:151,743,251, C>T. VCF-style: chrX-151743251-C-T. GRCh37 (hg19) VCF-style: chrX-150911723-C-T.
Identifiers: ClinVar variation 2661652 (VCV002661652.24), dbSNP rs1371928175, ClinGen allele CA519180863.

ClinVar aggregate classification (germline): Likely benign (1 of 4 stars; one submission).

Allele frequency attached by ClinVar (database versions not stated): gnomAD exomes below 0.00001; TOPMed 0.00001.

Submission:

CeGaT Center for Human Genetics Tuebingen
Classification: Likely benign. Last evaluated: 2022-12-01. Review status: criteria provided, single submitter. Criteria: CeGaT Center For Human Genetics Tuebingen Variant Classification Criteria Version 2. Collection method: clinical testing. Allele origin: germline. Affected: yes. Observed: 1 variant allele.
Comment: CNGA2: BP4, BS2